The following is an entry in ClinVar:

ClinVar aggregate classification (germline): Uncertain significance. Review status: criteria provided, multiple submitters, no conflicts (2 of 4 stars). 4 submissions from 4 submitters: Uncertain significance (3). 1 of the submissions does not count toward it. Last evaluated 2024-04-05.

Conditions:
Specific learning disability. Identifiers: Orphanet 211047, MedGen C4025790, MONDO:0016225, HP:0001328.
Involuntary movements. Identifiers: MedGen C0427086, HP:0004305.
Intellectual developmental disorder, X-linked 1. Also called: Atkin Flaitz Patil Smith syndrome; MENTAL RETARDATION, X-LINKED 18; MENTAL RETARDATION, X-LINKED 78; Intellectual disability, X-linked 1. Identifiers: Orphanet 777, MedGen C2931498, MONDO:0010656, OMIM 309530.

Allele frequency attached by ClinVar (database versions not stated): ExAC 0.00001; gnomAD 0.00002; gnomAD exomes 0.00002 and 0.00001; TOPMed 0.00001.
gnomAD v4.1: 24 of 1,208,239 alleles (0.002%); highest among the groups gnomAD compares: Non-Finnish European, 0.0025%; no homozygotes.

Submissions (4):

Labcorp Genetics (formerly Invitae), Labcorp
Classification: Uncertain significance for Intellectual developmental disorder, X-linked 1. Last evaluated: 2024-04-05. Review status: criteria provided, single submitter. Criteria: Invitae Variant Classification Sherloc (09022015). Collection method: clinical testing. Allele origin: germline.
Comment: This sequence change replaces arginine, which is basic and polar, with glutamine, which is neutral and polar, at codon 1069 of the IQSEC2 protein (p.Arg1069Gln). This variant is not present in population databases (gnomAD no frequency). This missense change has been observed in individual(s) with IQSEC2-related conditions (PMID: 35347702). ClinVar contains an entry for this variant (Variation ID: 975246). Advanced modeling of protein sequence and biophysical properties (such as structural, functional, and spatial information, amino acid conservation, physicochemical variation, residue mobility, and thermodynamic stability) has been performed at Invitae for this missense variant, however the output from this modeling did not meet the statistical confidence thresholds required to predict the impact of this variant on IQSEC2 protein function. This variant disrupts the p.Arg1069 amino acid residue in IQSEC2. Other variant(s) that disrupt this residue have been observed in individuals with IQSEC2-related conditions (PMID: 30206421), which suggests that this may be a clinically significant amino acid residue. In summary, the available evidence is currently insufficient to determine the role of this variant in disease. Therefore, it has been classified as a Variant of Uncertain Significance.

GeneDx
Classification: Uncertain significance. Last evaluated: 2022-11-11. Review status: criteria provided, single submitter. Criteria: GeneDx Variant Classification Process June 2021. Collection method: clinical testing. Allele origin: germline. Affected: yes.
Comment: In silico analysis supports that this missense variant does not alter protein structure/function; This variant is associated with the following publications: (PMID: 20473311, 35347702, 30206421)

Genetic Services Laboratory, University of Chicago
Classification: Uncertain significance. Last evaluated: 2019-09-20. Review status: criteria provided, single submitter. Criteria: ACMG Guidelines, 2015. Collection method: clinical testing. Allele origin: germline. Affected: no.

Centre de Biologie Pathologie Génétique, Centre Hospitalier Universitaire de Lille
Classification: Uncertain significance for Involuntary movements; Specific learning disability. Last evaluated: 2022-06-01. Review status: no assertion criteria provided. Collection method: clinical testing. Allele origin: unknown. Inheritance: X-linked inheritance. Affected: yes. Not counted in ClinVar's aggregate classification.

Literature cited by the submitters: PubMed 35347702 (cited by Labcorp Genetics (formerly Invitae), Labcorp); PubMed 30206421 (cited by Labcorp Genetics (formerly Invitae), Labcorp).

NM_001111125.3(IQSEC2):c.3206G>A (p.Arg1069Gln)

Gene: IQSEC2 (IQ motif and Sec7 domain ArfGEF 2; minus strand). Cytogenetic location: Xp11.22.
Variant type: single nucleotide variant.
Coding change: c.3206G>A on transcript NM_001111125.3 (MANE Select); coding-DNA position 3206, G replaced by A.
Protein change: p.Arg1069Gln; replaces arginine 1069 with glutamine.
Molecular consequence: missense variant.
Genome position (GRCh38, 1-based): chrX:53,238,216, C>T on the plus strand (G>A on the coding strand, the complement: IQSEC2 is on the minus strand). VCF-style: chrX-53238216-C-T. GRCh37 (hg19) VCF-style: chrX-53267398-C-T.
Other names: c.2591G>A, p.Arg864Gln (NM_015075.2); short protein forms R1069Q, R864Q.
Identifiers: ClinVar variation 975246 (VCV000975246.10), dbSNP rs782632137, ClinGen allele CA10419835.